The following is an entry in ClinVar:

ClinVar aggregate classification (germline): Uncertain significance (1 of 4 stars; one submission).

Submission:

Labcorp Genetics (formerly Invitae), Labcorp
Classification: Uncertain significance. Last evaluated: 2024-04-02. Review status: criteria provided, single submitter. Criteria: Invitae Variant Classification Sherloc (09022015). Collection method: clinical testing. Allele origin: germline.
Comment: This sequence change affects codon 97 of the NOG mRNA. It is a 'silent' change, meaning that it does not change the encoded amino acid sequence of the NOG protein. This variant is not present in population databases (gnomAD no frequency). This variant has not been reported in the literature in individuals affected with NOG-related conditions. In summary, the available evidence is currently insufficient to determine the role of this variant in disease. Therefore, it has been classified as a Variant of Uncertain Significance.

NM_005450.6(NOG):c.291C>A (p.Gly97=)

Gene: NOG (noggin; plus strand). Cytogenetic location: 17q22.
Variant type: single nucleotide variant.
Coding change: c.291C>A on transcript NM_005450.6 (MANE Select); coding-DNA position 291, C replaced by A.
Protein change: p.Gly97=; no amino-acid change (glycine 97 retained).
Molecular consequence: synonymous variant.
Genome position (GRCh38, 1-based): chr17:56,594,514, C>A. VCF-style: chr17-56594514-C-A. GRCh37 (hg19) VCF-style: chr17-54671875-C-A.
Identifiers: ClinVar variation 3684580 (VCV003684580.2).